The following is an entry in ClinVar:

ClinVar aggregate classification (germline): Conflicting classifications of pathogenicity. Review status: criteria provided, conflicting classifications (1 of 4 stars). 5 submissions from 5 submitters: Uncertain significance (2); Likely benign (3). Last evaluated 2026-08-31.

Conditions:
PRKAG2-related disorder. Also called: PRKAG2-related condition; PRKAG2-related disorders.
Cardiomyopathy (CMYO). Also called: Cardiomyopathies. Identifiers: Orphanet 167848, MedGen C0878544, MONDO:0004994, HP:0001638. Inheritance: Various modes of inheritance.
Lethal congenital glycogen storage disease of heart. Also called: PHOSPHORYLASE KINASE DEFICIENCY OF HEART; GLYCOGEN STORAGE DISEASE OF HEART. Identifiers: Orphanet 439854, MedGen C1849813, MONDO:0009867, OMIM 261740.
Hypertrophic cardiomyopathy. Also called: HYPERTROPHIC MYOCARDIOPATHY. Identifiers: Orphanet 217569, MedGen C0007194, MeSH D002312, MONDO:0005045, HP:0001639.

Allele frequency attached by ClinVar (database versions not stated): gnomAD exomes below 0.00001; TOPMed 0.00002.
gnomAD v4.1: 3 of 1,606,852 alleles (0.00019%); highest among the groups gnomAD compares: Non-Finnish European, 0.00026%; no homozygotes.

Submissions (5):

PreventionGenetics, part of Exact Sciences
Classification: Uncertain significance for PRKAG2-related condition. Last evaluated: 2026-08-31. Review status: criteria provided, single submitter. Criteria: ACMG Guidelines, 2015. Collection method: clinical testing. Allele origin: germline.
Comment: The PRKAG2 c.467-10T>G variant is predicted to interfere with splicing. This variant is predicted to impact splicing based on a computational splicing prediction program; however, the impact of this variant has not been functionally validated (SpliceAI, Jaganathan et al. 2019. PubMed ID: 30661751). To our knowledge, this variant has not been reported in the literature. This variant is reported in 0.00088% of alleles in individuals of European (Non-Finnish) descent in gnomAD. At this time, the clinical significance of this variant is uncertain due to the absence of conclusive functional and genetic evidence.

Labcorp Genetics (formerly Invitae), Labcorp
Classification: Likely benign for Lethal congenital glycogen storage disease of heart. Last evaluated: 2025-03-12. Review status: criteria provided, single submitter. Criteria: Invitae Variant Classification Sherloc (09022015). Collection method: clinical testing. Allele origin: germline.

All of Us Research Program, National Institutes of Health
Classification: Likely benign for Hypertrophic cardiomyopathy. Last evaluated: 2023-11-20. Review status: criteria provided, single submitter. Criteria: ACMG Guidelines, 2015. Collection method: clinical testing. Allele origin: germline. Inheritance: Autosomal dominant inheritance. Observed: 2 variant alleles, 2 heterozygotes.
Comment: This study involves interpretation of variants in research participants for the purpose of population health screening. Participant phenotype was not available at the time of variant classification. Additional details can be found in publication PMID: 35346344, PMCID: PMC8962531

Color Diagnostics, LLC DBA Color Health
Classification: Likely benign for Cardiomyopathy. Last evaluated: 2019-02-04. Review status: criteria provided, single submitter. Criteria: ACMG Guidelines, 2015. Collection method: clinical testing. Allele origin: germline.

Laboratory for Molecular Medicine, Mass General Brigham Personalized Medicine
Classification: Uncertain significance. Last evaluated: 2014-06-19. Review status: criteria provided, single submitter. Criteria: LMM Criteria. Collection method: clinical testing. Allele origin: germline. Observed: 1 variant allele.
Comment: The 467-10T>G variant in PRKAG2 has not been previously reported in individuals with cardiomyopathy or in large population studies. This variant is located in t he 3' splice region. Computational tools do not suggest an impact to splicing. H owever, this information is not predictive enough to rule out pathogenicity. In summary, the clinical significance of the 467-10T>G variant is uncertain.

NM_016203.4(PRKAG2):c.467-10T>G

Gene: PRKAG2 (protein kinase AMP-activated non-catalytic subunit gamma 2; minus strand). Cytogenetic location: 7q36.1.
Variant type: single nucleotide variant.
Coding change: c.467-10T>G on transcript NM_016203.4 (MANE Select); 10 bases into the intron before coding-DNA position 467, T replaced by G.
Molecular consequence: intron variant.
Genome position (GRCh38, 1-based): chr7:151,675,647, A>C on the plus strand (T>G on the coding strand, the complement: PRKAG2 is on the minus strand). VCF-style: chr7-151675647-A-C. GRCh37 (hg19) VCF-style: chr7-151372733-A-C.
Other names: c.335-10T>G (NM_001040633.2); c.95-10T>G (NM_001304527.2, NM_001363698.2).
Identifiers: ClinVar variation 164993 (VCV000164993.13), dbSNP rs727503378, ClinGen allele CA014241.
Genomic context (GRCh38, chr7:151,675,647, plus strand): 5'-GCTGCTTGGTCACTTGGGTGGGTGTTGACGGAGAGGAGGAGAGGCCGGAGGCTGCAGAAG[A>C]AACACCAAGGACGGTCAGAGGTCCGGCTTCCAGGAAGGGACGTCGGGGGTGGTCAGAGGT-3'